The following is an entry in ClinVar:

ClinVar aggregate classification (germline): Uncertain significance. Review status: criteria provided, multiple submitters, no conflicts (2 of 4 stars). 2 submissions from 2 submitters: Uncertain significance (2). Last evaluated 2024-07-07.

Conditions:
Hereditary cancer-predisposing syndrome. Also called: Tumor predisposition; Hereditary Cancer Syndrome; Hereditary neoplastic syndrome; Neoplastic Syndromes, Hereditary. Identifiers: Orphanet 140162, MedGen C0027672, MeSH D009386, MONDO:0015356.

Submissions (2):

Ambry Genetics
Classification: Uncertain significance for Hereditary cancer-predisposing syndrome. Last evaluated: 2024-07-07. Review status: criteria provided, single submitter. Criteria: Ambry Variant Classification Scheme 2023. Collection method: clinical testing. Allele origin: germline.
Comment: The p.F675L variant (also known as c.2025C>G), located in coding exon 18 of the POLE gene, results from a C to G substitution at nucleotide position 2025. The phenylalanine at codon 675 is replaced by leucine, an amino acid with highly similar properties. This amino acid position is conserved. In addition, this alteration is predicted to be tolerated by in silico analysis. Based on the available evidence, the clinical significance of this variant remains unclear.

Labcorp Genetics (formerly Invitae), Labcorp
Classification: Uncertain significance. Last evaluated: 2022-09-22. Review status: criteria provided, single submitter. Criteria: Invitae Variant Classification Sherloc (09022015). Collection method: clinical testing. Allele origin: germline.
Comment: ClinVar contains an entry for this variant (Variation ID: 1441545). Algorithms developed to predict the effect of sequence changes on RNA splicing suggest that this variant may disrupt the consensus splice site. Advanced modeling of protein sequence and biophysical properties (such as structural, functional, and spatial information, amino acid conservation, physicochemical variation, residue mobility, and thermodynamic stability) performed at Invitae indicates that this missense variant is not expected to disrupt POLE protein function. This variant has not been reported in the literature in individuals affected with POLE-related conditions. This variant is not present in population databases (gnomAD no frequency). This sequence change replaces phenylalanine, which is neutral and non-polar, with leucine, which is neutral and non-polar, at codon 675 of the POLE protein (p.Phe675Leu). In summary, the available evidence is currently insufficient to determine the role of this variant in disease. Therefore, it has been classified as a Variant of Uncertain Significance.

NM_006231.4(POLE):c.2025C>G (p.Phe675Leu)

Gene: POLE (DNA polymerase epsilon, catalytic subunit; minus strand). Cytogenetic location: 12q24.33.
Variant type: single nucleotide variant.
Coding change: c.2025C>G on transcript NM_006231.4 (MANE Select); coding-DNA position 2025, C replaced by G.
Protein change: p.Phe675Leu; replaces phenylalanine 675 with leucine.
Molecular consequence: missense variant.
Genome position (GRCh38, 1-based): chr12:132,668,636, G>C on the plus strand (C>G on the coding strand, the complement: POLE is on the minus strand). VCF-style: chr12-132668636-G-C. GRCh37 (hg19) VCF-style: chr12-133245222-G-C.
Other names: c.2025C>G (NM_006231.2); short protein forms F675L.
Identifiers: ClinVar variation 1441545 (VCV001441545.7), dbSNP rs2135977692, ClinGen allele CA387354631.